The following is an entry in ClinVar:

ClinVar aggregate classification (germline): Uncertain significance (1 of 4 stars; one submission).

Submission:

GeneDx
Classification: Uncertain significance. Last evaluated: 2024-10-14. Review status: criteria provided, single submitter. Criteria: GeneDx Variant Classification Process June 2021. Collection method: clinical testing. Allele origin: germline. Affected: yes.
Comment: Not observed at significant frequency in large population cohorts (gnomAD); In silico analysis indicates that this missense variant does not alter protein structure/function; Has not been previously published as pathogenic or benign to our knowledge

NM_201599.3(ZMYM3):c.4088G>T (p.Arg1363Leu)

Gene: ZMYM3 (zinc finger MYM-type containing 3; minus strand). Cytogenetic location: Xq13.1.
Variant type: single nucleotide variant.
Coding change: c.4088G>T on transcript NM_201599.3 (MANE Select); coding-DNA position 4088, G replaced by T.
Protein change: p.Arg1363Leu; replaces arginine 1363 with leucine.
Molecular consequence: missense variant.
Genome position (GRCh38, 1-based): chrX:71,240,941, C>A on the plus strand (G>T on the coding strand, the complement: ZMYM3 is on the minus strand). VCF-style: chrX-71240941-C-A. GRCh37 (hg19) VCF-style: chrX-70460791-C-A.
Other names: c.4052G>T, p.Arg1351Leu (NM_001171162.1); c.4088G>T, p.Arg1363Leu (NM_005096.3); short protein forms R1351L, R1363L.
Identifiers: ClinVar variation 3777478 (VCV003777478.1).
Genomic context (GRCh38, chrX:71,240,941, plus strand): 5'-TTGATGTGAAAGATGGATATGGATGGCACACGAGCTCAGTCCAGGTCTTCCTCCCCAGGA[C>A]GACCCAGTTCCTCATAAATCTCGCGCACAGCCAGGATGCGATTGAGCATGCTCTCCAACA-3'
Protein context (NP_963893.1, residues 1353-1370): AVREIYEELG[Arg1363Leu]PGEEDLD